The following is an entry in ClinVar:

NM_000179.3(MSH6):c.2253T>G (p.Asn751Lys)

Gene: MSH6 (mutS homolog 6; plus strand). Cytogenetic location: 2p16.3.
Variant type: single nucleotide variant.
Coding change: c.2253T>G on transcript NM_000179.3 (MANE Select); coding-DNA position 2253, T replaced by G.
Protein change: p.Asn751Lys; replaces asparagine 751 with lysine.
Molecular consequence: missense variant. On other transcripts: non-coding transcript variant (5), intron variant (2).
Genome position (GRCh38, 1-based): chr2:47,800,236, T>G. VCF-style: chr2-47800236-T-G. GRCh37 (hg19) VCF-style: chr2-48027375-T-G.
Other names: c.1863T>G, p.Asn621Lys (NM_001281492.2); c.1347T>G, p.Asn449Lys (NM_001281493.2, NM_001281494.2, NM_001406823.1 and 6 more transcripts); c.2349T>G, p.Asn783Lys (NM_001406795.1, NM_001406802.1); c.2253T>G, p.Asn751Lys (NM_001406796.1, NM_001406798.1, NM_001406800.1 and 3 more transcripts); c.1956T>G, p.Asn652Lys (NM_001406797.1, NM_001406801.1, NM_001406805.1 and 10 more transcripts); c.1728T>G, p.Asn576Lys (NM_001406799.1, NM_001406806.1, NM_001406807.1); c.2175T>G, p.Asn725Lys (NM_001406804.1); c.2085T>G, p.Asn695Lys (NM_001406826.1); and 3 more; short protein forms N449K, N621K, N652K, N695K, N725K, N751K, N783K, N576K.
Identifiers: ClinVar variation 2826467 (VCV002826467.3), dbSNP rs2020913, ClinGen allele CA346752688.

ClinVar aggregate classification (germline): Uncertain significance (1 of 4 stars; one submission).

Conditions:
Hereditary nonpolyposis colorectal neoplasms. Identifiers: MedGen C0009405, MeSH D003123.

Submission:

Labcorp Genetics (formerly Invitae), Labcorp
Classification: Uncertain significance for Hereditary nonpolyposis colorectal neoplasms. Last evaluated: 2023-01-06. Review status: criteria provided, single submitter. Criteria: Invitae Variant Classification Sherloc (09022015). Collection method: clinical testing. Allele origin: germline.
Comment: This sequence change replaces asparagine, which is neutral and polar, with lysine, which is basic and polar, at codon 751 of the MSH6 protein (p.Asn751Lys). In summary, the available evidence is currently insufficient to determine the role of this variant in disease. Therefore, it has been classified as a Variant of Uncertain Significance. Advanced modeling of protein sequence and biophysical properties (such as structural, functional, and spatial information, amino acid conservation, physicochemical variation, residue mobility, and thermodynamic stability) performed at Invitae indicates that this missense variant is not expected to disrupt MSH6 protein function. This variant has not been reported in the literature in individuals affected with MSH6-related conditions. This variant is not present in population databases (gnomAD no frequency).